The following is an entry in ClinVar:

ClinVar aggregate classification (germline): Uncertain significance (1 of 4 stars; one submission).

gnomAD v4.1: 11 of 1,613,942 alleles (0.00068%); highest among the groups gnomAD compares: East Asian, 0.0045%; no homozygotes.

Submission:

Dasa
Classification: Uncertain significance. Last evaluated: 2026-06-08. Review status: criteria provided, single submitter. Criteria: DASA Assertion Criteria. Collection method: clinical testing. Allele origin: germline.
Comment: NM_006885.4(ZFHX3):c.6347C>T (p.Pro2116Leu) is a missense variant that results in the substitution of proline with leucine. This variant is rare in population databases. The currently available literature and clinical evidence are not sufficient to establish a definitive association between this variant and the reported condition. Therefore, this variant is classified as a variant of uncertain significance.

NM_006885.4(ZFHX3):c.6347C>T (p.Pro2116Leu)

Genes: ZFHX3 (zinc finger homeobox 3; minus strand), ZFHX3-AS1 (ZFHX3 antisense RNA 1; plus strand). Cytogenetic location: 16q22.2.
Variant type: single nucleotide variant.
Coding change: c.6347C>T on transcript NM_006885.4 (MANE Select); coding-DNA position 6347, C replaced by T.
Protein change: p.Pro2116Leu; replaces proline 2116 with leucine.
Molecular consequence: missense variant.
Genome position (GRCh38, 1-based): chr16:72,796,335, G>A on the plus strand (C>T on the coding strand, the complement: ZFHX3 is on the minus strand). VCF-style: chr16-72796335-G-A. GRCh37 (hg19) VCF-style: chr16-72830234-G-A.
Other names: c.3605C>T, p.Pro1202Leu (NM_001164766.2); c.6347C>T, p.Pro2116Leu (NM_001386735.1); short protein forms P1202L, P2116L.
Identifiers: ClinVar variation 5020415 (VCV005020415.1).